The following is an entry in ClinVar:

NM_006269.2(RP1):c.1898A>G (p.Glu633Gly)

Gene: RP1 (RP1 axonemal microtubule associated; plus strand). Cytogenetic location: 8q12.1.
Variant type: single nucleotide variant.
Coding change: c.1898A>G on transcript NM_006269.2 (MANE Select); coding-DNA position 1898, A replaced by G.
Protein change: p.Glu633Gly; replaces glutamic acid 633 with glycine.
Molecular consequence: missense variant. On other transcripts: intron variant (1).
Genome position (GRCh38, 1-based): chr8:54,625,780, A>G. VCF-style: chr8-54625780-A-G. GRCh37 (hg19) VCF-style: chr8-55538340-A-G.
Other names: c.787+3492A>G (NM_001375654.1); short protein forms E633G.
Identifiers: ClinVar variation 3657648 (VCV003657648.2).
Genomic context (GRCh38, chr8:54,625,780, plus strand): 5'-CCCATTTTTCAAGTAATAACTCTGGAACTGACAAAAATATTTCTGAGGCTCCAGCTTCAG[A>G]AGCATCCTCTACTGTCACTGCAAGAATTGACAGACTAATTAATGAATTTGCTCAGTGTGG-3'
Protein context (NP_006260.1, residues 623-643): DKNISEAPAS[Glu633Gly]ASSTVTARID

ClinVar aggregate classification (germline): Uncertain significance (1 of 4 stars; one submission).

Submission:

Labcorp Genetics (formerly Invitae), Labcorp
Classification: Uncertain significance. Last evaluated: 2024-07-11. Review status: criteria provided, single submitter. Criteria: Invitae Variant Classification Sherloc (09022015). Collection method: clinical testing. Allele origin: germline.
Comment: This sequence change replaces glutamic acid, which is acidic and polar, with glycine, which is neutral and non-polar, at codon 633 of the RP1 protein (p.Glu633Gly). This variant is not present in population databases (gnomAD no frequency). This variant has not been reported in the literature in individuals affected with RP1-related conditions. An algorithm developed to predict the effect of missense changes on protein structure and function (PolyPhen-2) suggests that this variant is likely to be tolerated. In summary, the available evidence is currently insufficient to determine the role of this variant in disease. Therefore, it has been classified as a Variant of Uncertain Significance.